The following is an entry in ClinVar:

NM_002447.4(MST1R):c.1229C>T (p.Pro410Leu)

Gene: MST1R (macrophage stimulating 1 receptor; minus strand). Cytogenetic location: 3p21.31.
Variant type: single nucleotide variant.
Coding change: c.1229C>T on transcript NM_002447.4 (MANE Select); coding-DNA position 1229, C replaced by T.
Protein change: p.Pro410Leu; replaces proline 410 with leucine.
Molecular consequence: missense variant. On other transcripts: non-coding transcript variant (1).
Genome position (GRCh38, 1-based): chr3:49,902,381, G>A on the plus strand (C>T on the coding strand, the complement: MST1R is on the minus strand). VCF-style: chr3-49902381-G-A. GRCh37 (hg19) VCF-style: chr3-49939814-G-A.
Other names: c.1229C>T, p.Pro410Leu (NM_001244937.3, NM_001318913.2); short protein forms P410L.
Identifiers: ClinVar variation 3039565 (VCV003039565.2), dbSNP rs138579438, ClinGen allele CA2409292.
Genomic context (GRCh38, chr3:49,902,381, plus strand): 5'-AGCCTGTGTTCAGCCATGTGCATGCAGCTCACAAGTAAGGGCCCCTTCTTTCAGCTTACC[G>A]GGTTGGGGCAAAAACTGGGCGACTGGAAGAAGTCGAGGCCTCGCCGGAGGCCTGGATGGA-3'
Protein context (NP_002438.2, residues 400-420): FFQSPSFCPN[Pro410Leu]PGLEALSPNT

ClinVar aggregate classification (germline): Benign (0 of 4 stars; one submission).

Conditions:
MST1R-related disorder. Also called: MST1R-related condition.

Allele frequency attached by ClinVar (database versions not stated): ExAC 0.00119; 1000 Genomes Project 30x 0.00359; 1000 Genomes Project 0.00379; gnomAD 0.00392; TOPMed 0.00443; ESP Exome Variant Server 0.00446.
gnomAD v4.1: 1,207 of 1,612,926 alleles (0.075%); highest among the groups gnomAD compares: African/African-American, 1.5%; 11 homozygotes.

Submission:

PreventionGenetics, part of Exact Sciences
Classification: Benign for MST1R-related condition. Last evaluated: 2019-06-24. Review status: no assertion criteria provided. Collection method: clinical testing. Allele origin: germline.
Comment: This variant is classified as benign based on ACMG/AMP sequence variant interpretation guidelines (Richards et al. 2015 PMID: 25741868, with internal and published modifications).